The following is an entry in ClinVar:

ClinVar aggregate classification (germline): Conflicting classifications of pathogenicity. Review status: criteria provided, conflicting classifications (1 of 4 stars). 3 submissions from 3 submitters: Uncertain significance (2); Likely benign (1). Last evaluated 2025-11-01.

Conditions:
Adams-Oliver syndrome 5 (AOS5). Identifiers: Orphanet 974, MedGen C4014970, MONDO:0014459, OMIM 616028.
Familial thoracic aortic aneurysm and aortic dissection (TAAD). Also called: Thoracic aortic aneurysms and dissections. Identifiers: Orphanet 91387, MedGen C4707243, MONDO:0019625.

Allele frequency attached by ClinVar (database versions not stated): gnomAD 0.00001 and 0.00002; gnomAD exomes 0.00002 and 0.00003; TOPMed 0.00002; ExAC 0.00003.
gnomAD v4.1: 26 of 1,604,532 alleles (0.0016%); highest among the groups gnomAD compares: South Asian, 0.011%; no homozygotes.

Submissions (3):

Labcorp Genetics (formerly Invitae), Labcorp
Classification: Likely benign for Adams-Oliver syndrome 5. Last evaluated: 2025-11-01. Review status: criteria provided, single submitter. Criteria: Invitae Variant Classification Sherloc (09022015). Collection method: clinical testing. Allele origin: germline.

Ambry Genetics
Classification: Uncertain significance for Familial thoracic aortic aneurysm and aortic dissection. Last evaluated: 2024-02-01. Review status: criteria provided, single submitter. Criteria: Ambry Variant Classification Scheme 2023. Collection method: clinical testing. Allele origin: germline.
Comment: The p.V1288I variant (also known as c.3862G>A), located in coding exon 23 of the NOTCH1 gene, results from a G to A substitution at nucleotide position 3862. The valine at codon 1288 is replaced by isoleucine, an amino acid with highly similar properties. This amino acid position is conserved. In addition, this alteration is predicted to be tolerated by in silico analysis. Based on the available evidence, the clinical significance of this alteration remains unclear.

GeneDx
Classification: Uncertain significance. Last evaluated: 2019-05-03. Review status: criteria provided, single submitter. Criteria: GeneDx Variant Classification Process June 2021. Collection method: clinical testing. Allele origin: germline. Affected: yes.
Comment: Has not been previously published as pathogenic or benign to our knowledge; In silico analysis, which includes protein predictors and evolutionary conservation, supports that this variant does not alter protein structure/function

NM_017617.5(NOTCH1):c.3862G>A (p.Val1288Ile)

Gene: NOTCH1 (notch receptor 1; minus strand). Cytogenetic location: 9q34.3.
Variant type: single nucleotide variant.
Coding change: c.3862G>A on transcript NM_017617.5 (MANE Select); coding-DNA position 3862, G replaced by A.
Protein change: p.Val1288Ile; replaces valine 1288 with isoleucine.
Molecular consequence: missense variant.
Genome position (GRCh38, 1-based): chr9:136,506,755, C>T on the plus strand (G>A on the coding strand, the complement: NOTCH1 is on the minus strand). VCF-style: chr9-136506755-C-T. GRCh37 (hg19) VCF-style: chr9-139401207-C-T.
Other names: short protein forms V1288I.
Identifiers: ClinVar variation 1305583 (VCV001305583.6), dbSNP rs752264096, ClinGen allele CA5340783.